The following is an entry in ClinVar:

NM_022114.4(PRDM16):c.1459del (p.Glu487fs)

Gene: PRDM16 (PR/SET domain 16; plus strand). Cytogenetic location: 1p36.32.
Variant type: Deletion.
Coding change: c.1459del on transcript NM_022114.4 (MANE Select); coding-DNA position 1459, one base deleted (G; older notation c.1459delG).
Protein change: p.Glu487fs; shifts the reading frame from glutamic acid 487.
Molecular consequence: frameshift variant.
Genome position (GRCh38, 1-based): chr1:3,411,656, G deleted. VCF-style (leftmost placement, unchanged base first): chr1-3411655-CG-C. GRCh37 (hg19) VCF-style: chr1-3328219-CG-C.
Other names: c.1459del, p.Glu487fs (NM_199454.3); c.1459delG (NM_022114.3); c.1459del (NM_022114.3); short protein forms E487fs.
Identifiers: ClinVar variation 426516 (VCV000426516.4), dbSNP rs1085307663, ClinGen allele CA645293793.

ClinVar aggregate classification (germline): Pathogenic. Review status: criteria provided, multiple submitters, no conflicts (2 of 4 stars). 2 submissions from 2 submitters: Pathogenic (2). Last evaluated 2025-12-26.

Conditions:
Left ventricular noncompaction 8 (LVNC8). Identifiers: Orphanet 154, Orphanet 54260, MedGen C3809288, MONDO:0014152, OMIM 615373.

Submissions (2):

Labcorp Genetics (formerly Invitae), Labcorp
Classification: Pathogenic for Left ventricular noncompaction 8. Last evaluated: 2025-12-26. Review status: criteria provided, single submitter. Criteria: Invitae Variant Classification Sherloc (09022015). Collection method: clinical testing. Allele origin: germline.
Comment: This sequence change creates a premature translational stop signal (p.Glu487Serfs*53) in the PRDM16 gene. It is expected to result in an absent or disrupted protein product. Loss-of-function variants in PRDM16 are known to be pathogenic (PMID: 23768516). This variant is not present in population databases (gnomAD no frequency). This variant has not been reported in the literature in individuals affected with PRDM16-related conditions. ClinVar contains an entry for this variant (Variation ID: 426516). For these reasons, this variant has been classified as Pathogenic.

GeneDx
Classification: Pathogenic. Last evaluated: 2025-12-12. Review status: criteria provided, single submitter. Criteria: GeneDx Variant Classification Process June 2021. Collection method: clinical testing. Allele origin: germline. Affected: yes.
Comment: Frameshift variant predicted to result in protein truncation or nonsense mediated decay in a gene for which loss of function is a known mechanism of disease; Not observed at significant frequency in large population cohorts (gnomAD); Has not been previously published as pathogenic or benign to our knowledge

Literature cited by the submitters: PubMed 23768516 (cited by Labcorp Genetics (formerly Invitae), Labcorp).